The following is an entry in ClinVar:

NM_000059.4(BRCA2):c.1766A>T (p.Lys589Met)

Gene: BRCA2 (BRCA2 DNA repair associated; plus strand). Cytogenetic location: 13q13.1.
Variant type: single nucleotide variant.
Coding change: c.1766A>T on transcript NM_000059.4 (MANE Select); coding-DNA position 1766, A replaced by T.
Protein change: p.Lys589Met; replaces lysine 589 with methionine.
Molecular consequence: missense variant. On other transcripts: non-coding transcript variant (1), intron variant (1).
Genome position (GRCh38, 1-based): chr13:32,333,244, A>T. VCF-style: chr13-32333244-A-T. GRCh37 (hg19) VCF-style: chr13-32907381-A-T.
Other names: c.1766A>T, p.Lys589Met (NM_001406719.1, NM_001406720.1, NM_001406721.1 and 1 more transcripts); c.424+2214A>T (NM_001406722.1); short protein forms K589M.
Identifiers: ClinVar variation 3825400 (VCV003825400.1).

ClinVar aggregate classification (germline): Uncertain significance (1 of 4 stars; one submission).

Conditions:
Hereditary cancer-predisposing syndrome. Also called: Hereditary neoplastic syndrome; Neoplastic Syndromes, Hereditary; Tumor predisposition; Hereditary Cancer Syndrome. Identifiers: Orphanet 140162, MedGen C0027672, MeSH D009386, MONDO:0015356.

Submission:

Ambry Genetics
Classification: Uncertain significance for Hereditary cancer-predisposing syndrome. Last evaluated: 2024-12-20. Review status: criteria provided, single submitter. Criteria: Ambry Variant Classification Scheme 2023. Collection method: clinical testing. Allele origin: germline.
Comment: The p.K589M variant (also known as c.1766A>T), located in coding exon 9 of the BRCA2 gene, results from an A to T substitution at nucleotide position 1766. The lysine at codon 589 is replaced by methionine, an amino acid with similar properties. This amino acid position is conserved. In addition, this alteration is predicted to be tolerated by in silico analysis. Based on the available evidence, the clinical significance of this variant remains unclear.